The following is an entry in ClinVar:

NM_001379286.1(ZNF423):c.1748G>A (p.Gly583Asp)

Gene: ZNF423 (zinc finger protein 423; minus strand). Cytogenetic location: 16q12.1.
Variant type: single nucleotide variant.
Coding change: c.1748G>A on transcript NM_001379286.1 (MANE Select); coding-DNA position 1748, G replaced by A.
Protein change: p.Gly583Asp; replaces glycine 583 with aspartic acid.
Molecular consequence: missense variant.
Genome position (GRCh38, 1-based): chr16:49,637,428, C>T on the plus strand (G>A on the coding strand, the complement: ZNF423 is on the minus strand). VCF-style: chr16-49637428-C-T. GRCh37 (hg19) VCF-style: chr16-49671339-C-T.
Other names: c.1544G>A, p.Gly515Asp (NM_001271620.2); c.1373G>A, p.Gly458Asp (NM_001330533.2); c.1724G>A, p.Gly575Asp (NM_015069.5); short protein forms G458D, G515D, G583D, G575D.
Identifiers: ClinVar variation 1407186 (VCV001407186.8), dbSNP rs1406531890, ClinGen allele CA395846631.

ClinVar aggregate classification (germline): Uncertain significance (1 of 4 stars; one submission).

Conditions:
Nephronophthisis 14 (NPHP14). Identifiers: Orphanet 2318, MedGen C3539071, MONDO:0013916, OMIM 614844.

Allele frequency attached by ClinVar (database versions not stated): gnomAD exomes below 0.00001; TOPMed 0.00001.
gnomAD v4.1: 1 of 1,614,012 alleles (0.000062%); highest among the groups gnomAD compares: African/African-American, 0.0013%; no homozygotes.

Submission:

Labcorp Genetics (formerly Invitae), Labcorp
Classification: Uncertain significance for Nephronophthisis 14. Last evaluated: 2021-03-25. Review status: criteria provided, single submitter. Criteria: Invitae Variant Classification Sherloc (09022015). Collection method: clinical testing. Allele origin: germline.
Comment: This variant has not been reported in the literature in individuals with ZNF423-related conditions. In summary, the available evidence is currently insufficient to determine the role of this variant in disease. Therefore, it has been classified as a Variant of Uncertain Significance. Algorithms developed to predict the effect of missense changes on protein structure and function are either unavailable or do not agree on the potential impact of this missense change (SIFT: "Deleterious"; PolyPhen-2: "Benign"; Align-GVGD: "Class C0"). This variant is not present in population databases (ExAC no frequency). This sequence change replaces glycine with aspartic acid at codon 575 of the ZNF423 protein (p.Gly575Asp). The glycine residue is highly conserved and there is a moderate physicochemical difference between glycine and aspartic acid.